The following is an entry in ClinVar:

NM_016006.6(ABHD5):c.647T>C (p.Ile216Thr)

Gene: ABHD5 (abhydrolase domain containing 5, lysophosphatidic acid acyltransferase; plus strand). Cytogenetic location: 3p21.33.
Variant type: single nucleotide variant.
Coding change: c.647T>C on transcript NM_016006.6 (MANE Select); coding-DNA position 647, T replaced by C.
Protein change: p.Ile216Thr; replaces isoleucine 216 with threonine.
Molecular consequence: missense variant. On other transcripts: non-coding transcript variant (1).
Genome position (GRCh38, 1-based): chr3:43,711,849, T>C. VCF-style: chr3-43711849-T-C. GRCh37 (hg19) VCF-style: chr3-43753341-T-C.
Other names: c.647T>C, p.Ile216Thr (NM_001355186.2, NM_001365650.1); c.524T>C, p.Ile175Thr (NM_001365649.1); short protein forms I175T, I216T.
Identifiers: ClinVar variation 2128068 (VCV002128068.4), dbSNP rs2528774601, ClinGen allele CA352347091.
Genomic context (GRCh38, chr3:43,711,849, plus strand): 5'-TTTGGATCAGAGCCTTGGGAGCAGCATTGACTCCCTTTAACCCTTTAGCTGGCCTAAGGA[T>C]TGCAGGACCCTTTGGTGAGTGCTTATGTTCTAGGAAAGCAAAATGTTTGTAAGTTATGAG-3'
Protein context (NP_057090.2, residues 206-226): TPFNPLAGLR[Ile216Thr]AGPFGLSLVQ

ClinVar aggregate classification (germline): Uncertain significance (1 of 4 stars; one submission).

Submission:

Labcorp Genetics (formerly Invitae), Labcorp
Classification: Uncertain significance. Last evaluated: 2022-04-19. Review status: criteria provided, single submitter. Criteria: Invitae Variant Classification Sherloc (09022015). Collection method: clinical testing. Allele origin: germline.
Comment: This sequence change replaces isoleucine, which is neutral and non-polar, with threonine, which is neutral and polar, at codon 216 of the ABHD5 protein (p.Ile216Thr). In summary, the available evidence is currently insufficient to determine the role of this variant in disease. Therefore, it has been classified as a Variant of Uncertain Significance. This variant has not been reported in the literature in individuals affected with ABHD5-related conditions. Algorithms developed to predict the effect of missense changes on protein structure and function are either unavailable or do not agree on the potential impact of this missense change (SIFT: "Deleterious"; PolyPhen-2: "Benign"; Align-GVGD: "Class C0"). This variant is not present in population databases (gnomAD no frequency).